The following is an entry in ClinVar:

ClinVar aggregate classification (germline): Uncertain significance (1 of 4 stars; one submission).

Submission:

Labcorp Genetics (formerly Invitae), Labcorp
Classification: Uncertain significance. Last evaluated: 2024-10-14. Review status: criteria provided, single submitter. Criteria: Invitae Variant Classification Sherloc (09022015). Collection method: clinical testing. Allele origin: germline.
Comment: This sequence change replaces aspartic acid, which is acidic and polar, with glycine, which is neutral and non-polar, at codon 428 of the PDP1 protein (p.Asp428Gly). This variant is not present in population databases (gnomAD no frequency). This variant has not been reported in the literature in individuals affected with PDP1-related conditions. ClinVar contains an entry for this variant (Variation ID: 2122695). An algorithm developed to predict the effect of missense changes on protein structure and function (PolyPhen-2) suggests that this variant is likely to be disruptive. In summary, the available evidence is currently insufficient to determine the role of this variant in disease. Therefore, it has been classified as a Variant of Uncertain Significance.

NM_018444.4(PDP1):c.1283A>G (p.Asp428Gly)

Gene: PDP1 (pyruvate dehydrogenase phosphatase catalytic subunit 1; plus strand). Cytogenetic location: 8q22.1.
Variant type: single nucleotide variant.
Coding change: c.1283A>G on transcript NM_018444.4 (MANE Select); coding-DNA position 1283, A replaced by G.
Protein change: p.Asp428Gly; replaces aspartic acid 428 with glycine.
Molecular consequence: missense variant.
Genome position (GRCh38, 1-based): chr8:93,923,342, A>G. VCF-style: chr8-93923342-A-G. GRCh37 (hg19) VCF-style: chr8-94935570-A-G.
Other names: c.1358A>G, p.Asp453Gly (NM_001161779.2, NM_001161780.2); c.1283A>G, p.Asp428Gly (NM_001161781.2); short protein forms D428G, D453G.
Identifiers: ClinVar variation 2122695 (VCV002122695.4), dbSNP rs1586157708, ClinGen allele CA371696471.
Genomic context (GRCh38, chr8:93,923,342, plus strand): 5'-CACAGGATAAGTTTCTGGTGTTGGCTACTGATGGGTTGTGGGAGACTATGCATAGGCAGG[A>G]TGTGGTTAGGATTGTGGGTGAGTACCTAACTGGCATGCATCACCAACAGCCAATAGCTGT-3'
Protein context (NP_060914.2, residues 418-438): DGLWETMHRQ[Asp428Gly]VVRIVGEYLT